The following is an entry in ClinVar:

ClinVar aggregate classification (germline): Uncertain significance (1 of 4 stars; one submission).

Conditions:
Dilated cardiomyopathy 1DD (CMD1DD). Identifiers: Orphanet 154, MedGen C2750995, MONDO:0013168, OMIM 613172.

Submission:

Labcorp Genetics (formerly Invitae), Labcorp
Classification: Uncertain significance for Dilated cardiomyopathy 1DD. Last evaluated: 2025-10-19. Review status: criteria provided, single submitter. Criteria: Invitae Variant Classification Sherloc (09022015). Collection method: clinical testing. Allele origin: germline.
Comment: This sequence change replaces isoleucine, which is neutral and non-polar, with methionine, which is neutral and non-polar, at codon 376 of the RBM20 protein (p.Ile376Met). This variant is not present in population databases (gnomAD no frequency). This variant has not been reported in the literature in individuals affected with RBM20-related conditions. ClinVar contains an entry for this variant (Variation ID: 3667778). Invitae Evidence Modeling of protein sequence and biophysical properties (such as structural, functional, and spatial information, amino acid conservation, physicochemical variation, residue mobility, and thermodynamic stability) indicates that this missense variant is not expected to disrupt RBM20 protein function with a negative predictive value of 95%. In summary, the available evidence is currently insufficient to determine the role of this variant in disease. Therefore, it has been classified as a Variant of Uncertain Significance.

NM_001134363.3(RBM20):c.1128C>G (p.Ile376Met)

Gene: RBM20 (RNA binding motif protein 20; plus strand). Cytogenetic location: 10q25.2.
Variant type: single nucleotide variant.
Coding change: c.1128C>G on transcript NM_001134363.3 (MANE Select); coding-DNA position 1128, C replaced by G.
Protein change: p.Ile376Met; replaces isoleucine 376 with methionine.
Molecular consequence: missense variant.
Genome position (GRCh38, 1-based): chr10:110,781,737, C>G. VCF-style: chr10-110781737-C-G. GRCh37 (hg19) VCF-style: chr10-112541495-C-G.
Other names: short protein forms I376M.
Identifiers: ClinVar variation 3667778 (VCV003667778.2).
Genomic context (GRCh38, chr10:110,781,737, plus strand): 5'-CTCAGACAGGACACCTCCTTCCTTCGGGGGTCGGCTTAACAACAGCAAACAGGGTTTTAT[C>G]GGTGCTGGGCGGAGGGCCAAGGAGGACCAGGCGTTGCTATCTGTGCGGCCCCTGCAGGCT-3'
Protein context (NP_001127835.2, residues 366-386): GRLNNSKQGF[Ile376Met]GAGRRAKEDQ